The following is an entry in ClinVar:

NC_000015.9:g.(?_66774083)_(66782963_?)dup

Genes: MAP2K1 (mitogen-activated protein kinase kinase 1; plus strand), SNAPC5 (small nuclear RNA activating complex polypeptide 5; minus strand). Cytogenetic location: 15q22.31.
Variant type: Duplication.
Identifiers: ClinVar variation 1410689 (VCV001410689.4).

ClinVar aggregate classification (germline): Uncertain significance (1 of 4 stars; one submission).

Conditions:
RASopathy. Also called: rasopathies; Noonan spectrum disorder. Identifiers: Orphanet 536391, MedGen C5555857, MONDO:0021060.

Submission:

Labcorp Genetics (formerly Invitae), Labcorp
Classification: Uncertain significance for RASopathy. Last evaluated: 2021-01-08. Review status: criteria provided, single submitter. Criteria: Invitae Variant Classification Sherloc (09022015). Collection method: clinical testing. Allele origin: germline.
Comment: In summary, the available evidence is currently insufficient to determine the role of this variant in disease. Therefore, it has been classified as a Variant of Uncertain Significance. This variant has not been reported in the literature in individuals with MAP2K1-related conditions. This variant results in a copy number gain of the genomic region encompassing exon(s) 6-11 of the MAP2K1 gene. The 5' boundary is likely confined to intron 5. The 3' end of this event is unknown as it extends beyond the assayed region for this gene and therefore may encompass additional genes. As the precise location of this event is unknown, it may be in tandem or it may be located elsewhere in the genome.